The following is an entry in ClinVar:

ClinVar aggregate classification (germline): Uncertain significance (1 of 4 stars; one submission).

Submission:

Labcorp Genetics (formerly Invitae), Labcorp
Classification: Uncertain significance. Last evaluated: 2021-12-02. Review status: criteria provided, single submitter. Criteria: Invitae Variant Classification Sherloc (09022015). Collection method: clinical testing. Allele origin: germline.
Comment: In summary, the available evidence is currently insufficient to determine the role of this variant in disease. Therefore, it has been classified as a Variant of Uncertain Significance. Algorithms developed to predict the effect of missense changes on protein structure and function output the following: SIFT: "Deleterious"; PolyPhen-2: "Benign"; Align-GVGD: "Class C25". The serine amino acid residue is found in multiple mammalian species, which suggests that this missense change does not adversely affect protein function. This variant has not been reported in the literature in individuals affected with PLEKHG2-related conditions. This variant is not present in population databases (gnomAD no frequency). This sequence change replaces proline, which is neutral and non-polar, with serine, which is neutral and polar, at codon 524 of the PLEKHG2 protein (p.Pro524Ser).

NM_022835.3(PLEKHG2):c.1570C>T (p.Pro524Ser)

Gene: PLEKHG2 (pleckstrin homology and RhoGEF domain containing G2; plus strand). Cytogenetic location: 19q13.2.
Variant type: single nucleotide variant.
Coding change: c.1570C>T on transcript NM_022835.3 (MANE Select); coding-DNA position 1570, C replaced by T.
Protein change: p.Pro524Ser; replaces proline 524 with serine.
Molecular consequence: missense variant.
Genome position (GRCh38, 1-based): chr19:39,422,181, C>T. VCF-style: chr19-39422181-C-T. GRCh37 (hg19) VCF-style: chr19-39912821-C-T.
Other names: c.1393C>T, p.Pro465Ser (NM_001351693.2); c.1570C>T, p.Pro524Ser (NM_001351694.2); short protein forms P465S, P524S.
Identifiers: ClinVar variation 1511559 (VCV001511559.8), dbSNP rs540027705, ClinGen allele CA405795076.